The following is an entry in ClinVar:

ClinVar aggregate classification (germline): Uncertain significance (1 of 4 stars; one submission).

Submission:

Labcorp Genetics (formerly Invitae), Labcorp
Classification: Uncertain significance. Last evaluated: 2022-07-06. Review status: criteria provided, single submitter. Criteria: Invitae Variant Classification Sherloc (09022015). Collection method: clinical testing. Allele origin: germline.
Comment: In summary, the available evidence is currently insufficient to determine the role of this variant in disease. Therefore, it has been classified as a Variant of Uncertain Significance. Algorithms developed to predict the effect of missense changes on protein structure and function (SIFT, PolyPhen-2, Align-GVGD) all suggest that this variant is likely to be tolerated. This variant has not been reported in the literature in individuals affected with LAMC3-related conditions. This variant is not present in population databases (gnomAD no frequency). This sequence change replaces methionine, which is neutral and non-polar, with isoleucine, which is neutral and non-polar, at codon 1285 of the LAMC3 protein (p.Met1285Ile).

NM_006059.4(LAMC3):c.3855G>A (p.Met1285Ile)

Gene: LAMC3 (laminin subunit gamma 3; plus strand). Cytogenetic location: 9q34.12.
Variant type: single nucleotide variant.
Coding change: c.3855G>A on transcript NM_006059.4 (MANE Select); coding-DNA position 3855, G replaced by A.
Protein change: p.Met1285Ile; replaces methionine 1285 with isoleucine.
Molecular consequence: missense variant.
Genome position (GRCh38, 1-based): chr9:131,079,226, G>A. VCF-style: chr9-131079226-G-A. GRCh37 (hg19) VCF-style: chr9-133954613-G-A.
Other names: short protein forms M1285I.
Identifiers: ClinVar variation 2014646 (VCV002014646.4), dbSNP rs2538317160, ClinGen allele CA375262822.